The following is an entry in ClinVar:

NM_006206.6(PDGFRA):c.2209G>A (p.Ala737Thr)

Gene: PDGFRA (platelet derived growth factor receptor alpha; plus strand). Cytogenetic location: 4q12.
Variant type: single nucleotide variant.
Coding change: c.2209G>A on transcript NM_006206.6 (MANE Select); coding-DNA position 2209, G replaced by A.
Protein change: p.Ala737Thr; replaces alanine 737 with threonine.
Molecular consequence: missense variant.
Genome position (GRCh38, 1-based): chr4:54,280,368, G>A. VCF-style: chr4-54280368-G-A. GRCh37 (hg19) VCF-style: chr4-55146535-G-A.
Other names: c.2209G>A, p.Ala737Thr (NM_001347827.2, NM_001347829.2); c.2284G>A, p.Ala762Thr (NM_001347828.2); c.2248G>A, p.Ala750Thr (NM_001347830.2); short protein forms A737T, A750T, A762T.
Identifiers: ClinVar variation 4805109 (VCV004805109.1).

ClinVar aggregate classification (germline): Uncertain significance (1 of 4 stars; one submission).

Conditions:
Gastrointestinal stromal tumor. Also called: Gastrointestinal stroma tumor; Gastrointestinal stromal tumor, somatic. Identifiers: Orphanet 44890, MedGen C0238198, MeSH D046152, MONDO:0011719, OMIM 606764, HP:0100723.

Submission:

Labcorp Genetics (formerly Invitae), Labcorp
Classification: Uncertain significance for Gastrointestinal stromal tumor. Last evaluated: 2026-01-21. Review status: criteria provided, single submitter. Criteria: Invitae Variant Classification Sherloc (09022015). Collection method: clinical testing. Allele origin: germline.
Comment: This sequence change replaces alanine, which is neutral and non-polar, with threonine, which is neutral and polar, at codon 737 of the PDGFRA protein (p.Ala737Thr). This variant is not present in population databases (gnomAD no frequency). This variant has not been reported in the literature in individuals affected with PDGFRA-related conditions. Invitae Evidence Modeling of protein sequence and biophysical properties (such as structural, functional, and spatial information, amino acid conservation, physicochemical variation, residue mobility, and thermodynamic stability) indicates that this missense variant is not expected to disrupt PDGFRA protein function with a negative predictive value of 80%. In summary, the available evidence is currently insufficient to determine the role of this variant in disease. Therefore, it has been classified as a Variant of Uncertain Significance.